The following is an entry in ClinVar:

NM_005732.4(RAD50):c.3164+4T>G

Gene: RAD50 (RAD50 double strand break repair protein; plus strand). Cytogenetic location: 5q31.1.
Variant type: single nucleotide variant.
Coding change: c.3164+4T>G on transcript NM_005732.4 (MANE Select); 4 bases into the intron after coding-DNA position 3164, T replaced by G.
Molecular consequence: intron variant.
Genome position (GRCh38, 1-based): chr5:132,616,134, T>G. VCF-style: chr5-132616134-T-G. GRCh37 (hg19) VCF-style: chr5-131951826-T-G.
Identifiers: ClinVar variation 1367119 (VCV001367119.6), dbSNP rs878854796, ClinGen allele CA2573138947.
Genomic context (GRCh38, chr5:132,616,134, plus strand): 5'-AGAAAGAAAACAACATTTGAAGGAAATGGGTCAAATGCAGGTTTTGCAAATGAAAAGGTA[T>G]GCTTTTAAAATAATCTTCAGTTTAAATAAACGTCTTTATTACTGGAATGTGAAGAATATT-3'

ClinVar aggregate classification (germline): Uncertain significance (1 of 4 stars; one submission).

Conditions:
Hereditary cancer-predisposing syndrome. Also called: Neoplastic Syndromes, Hereditary; Tumor predisposition; Hereditary neoplastic syndrome; Hereditary Cancer Syndrome. Identifiers: Orphanet 140162, MedGen C0027672, MeSH D009386, MONDO:0015356.

Submission:

Labcorp Genetics (formerly Invitae), Labcorp
Classification: Uncertain significance for Hereditary cancer-predisposing syndrome. Last evaluated: 2023-02-04. Review status: criteria provided, single submitter. Criteria: Invitae Variant Classification Sherloc (09022015). Collection method: clinical testing. Allele origin: germline.
Comment: This sequence change falls in intron 20 of the RAD50 gene. It does not directly change the encoded amino acid sequence of the RAD50 protein. It affects a nucleotide within the consensus splice site. This variant is not present in population databases (gnomAD no frequency). This variant has not been reported in the literature in individuals affected with RAD50-related conditions. ClinVar contains an entry for this variant (Variation ID: 1367119). Variants that disrupt the consensus splice site are a relatively common cause of aberrant splicing (PMID: 17576681, 9536098). Algorithms developed to predict the effect of sequence changes on RNA splicing suggest that this variant is not likely to affect RNA splicing. In summary, the available evidence is currently insufficient to determine the role of this variant in disease. Therefore, it has been classified as a Variant of Uncertain Significance.

Literature cited by the submitters: PubMed 17576681; PubMed 9536098.